The following is an entry in ClinVar:

ClinVar aggregate classification (germline): Likely pathogenic (1 of 4 stars; one submission).

Allele frequency attached by ClinVar (database versions not stated): gnomAD exomes below 0.00001.
gnomAD v4.1: 8 of 1,613,704 alleles (0.0005%); highest among the groups gnomAD compares: Non-Finnish European, 0.00042%; no homozygotes.

Submission:

Labcorp Genetics (formerly Invitae), Labcorp
Classification: Likely pathogenic. Last evaluated: 2024-01-04. Review status: criteria provided, single submitter. Criteria: Invitae Variant Classification Sherloc (09022015). Collection method: clinical testing. Allele origin: germline.
Comment: This sequence change affects a donor splice site in intron 6 of the TPO gene. It is expected to disrupt RNA splicing. Variants that disrupt the donor or acceptor splice site typically lead to a loss of protein function (PMID: 16199547), and loss-of-function variants in TPO are known to be pathogenic (PMID: 11061528, 23236987, 25564141). This variant is not present in population databases (gnomAD no frequency). This variant has not been reported in the literature in individuals affected with TPO-related conditions. Algorithms developed to predict the effect of sequence changes on RNA splicing suggest that this variant may disrupt the consensus splice site. In summary, the currently available evidence indicates that the variant is pathogenic, but additional data are needed to prove that conclusively. Therefore, this variant has been classified as Likely Pathogenic.

Literature cited by the submitters: PubMed 16199547; PubMed 11061528; PubMed 23236987; PubMed 25564141.

NM_001206744.2(TPO):c.612+1G>A

Gene: TPO (thyroid peroxidase; plus strand). Cytogenetic location: 2p25.3.
Variant type: single nucleotide variant.
Coding change: c.612+1G>A on transcript NM_001206744.2 (MANE Select); the canonical splice donor site of the intron after coding-DNA position 612, G replaced by A.
Molecular consequence: splice donor variant.
Genome position (GRCh38, 1-based): chr2:1,453,824, G>A. VCF-style: chr2-1453824-G-A. GRCh37 (hg19) VCF-style: chr2-1457596-G-A.
Other names: c.612+1G>A (NM_000547.6, NM_175719.4, NM_001206745.2 and 2 more transcripts).
Identifiers: ClinVar variation 2965494 (VCV002965494.3), dbSNP rs1558304580, ClinGen allele CA345692854.